The following is an entry in ClinVar:

NM_207111.4(RNF216):c.854C>T (p.Ser285Leu)

Gene: RNF216 (ring finger protein 216; minus strand). Cytogenetic location: 7p22.1.
Variant type: single nucleotide variant.
Coding change: c.854C>T on transcript NM_207111.4 (MANE Select); coding-DNA position 854, C replaced by T.
Protein change: p.Ser285Leu; replaces serine 285 with leucine.
Molecular consequence: missense variant.
Genome position (GRCh38, 1-based): chr7:5,741,163, G>A on the plus strand (C>T on the coding strand, the complement: RNF216 is on the minus strand). VCF-style: chr7-5741163-G-A. GRCh37 (hg19) VCF-style: chr7-5780794-G-A.
Other names: p.Ser285Leu; c.683C>T, p.Ser228Leu (NM_207116.3); short protein forms S228L, S285L.
Identifiers: ClinVar variation 774313 (VCV000774313.55), dbSNP rs141050143, ClinGen allele CA4148431.

ClinVar aggregate classification (germline): Benign/Likely benign. Review status: criteria provided, multiple submitters, no conflicts (2 of 4 stars). 5 submissions from 5 submitters: Benign (1); Likely benign (3). 1 of the submissions does not count toward it. Last evaluated 2026-01-19.

Conditions:
RNF216-related disorder. Also called: RNF216-related condition.

Allele frequency attached by ClinVar (database versions not stated): 1000 Genomes Project 30x 0.00094; gnomAD 0.00102 and 0.00112; TOPMed 0.00104; 1000 Genomes Project 0.00120; ESP Exome Variant Server 0.00138; gnomAD exomes 0.00167 and 0.00187; ExAC 0.00189.
gnomAD v4.1: 2,882 of 1,614,144 alleles (0.18%); highest among the groups gnomAD compares: South Asian, 0.4%; 11 homozygotes.

Submissions (5):

Labcorp Genetics (formerly Invitae), Labcorp
Classification: Benign. Last evaluated: 2026-01-19. Review status: criteria provided, single submitter. Criteria: Invitae Variant Classification Sherloc (09022015). Collection method: clinical testing. Allele origin: germline.

Mayo Clinic Laboratories, Mayo Clinic
Classification: Likely benign. Last evaluated: 2025-09-02. Review status: criteria provided, single submitter. Criteria: ACMG Guidelines, 2015. Collection method: clinical testing. Allele origin: germline. Observed: 3 variant alleles.
Comment: BS1, BP4_moderate

Blueprint Genetics
Classification: Likely benign. Last evaluated: 2024-11-25. Review status: criteria provided, single submitter. Criteria: ACMG Guidelines, 2015. Collection method: clinical testing. Allele origin: germline.

CeGaT Center for Human Genetics Tuebingen
Classification: Likely benign. Last evaluated: 2022-12-01. Review status: criteria provided, single submitter. Criteria: CeGaT Center For Human Genetics Tuebingen Variant Classification Criteria Version 2. Collection method: clinical testing. Allele origin: germline. Affected: yes. Observed: 2 variant alleles.
Comment: RNF216: BP4, BS2

PreventionGenetics, part of Exact Sciences
Classification: Likely benign for RNF216-related condition. Last evaluated: 2022-04-29. Review status: no assertion criteria provided. Collection method: clinical testing. Allele origin: germline. Not counted in ClinVar's aggregate classification.
Comment: This variant is classified as likely benign based on ACMG/AMP sequence variant interpretation guidelines (Richards et al. 2015 PMID: 25741868, with internal and published modifications).